The following is an entry in ClinVar:

ClinVar aggregate classification (germline): Uncertain significance (1 of 4 stars; one submission).

Conditions:
Long QT syndrome (LQTS). Identifiers: MedGen C0023976, MeSH D008133, MONDO:0002442. Disease mechanism: loss of function. Inheritance: Various modes of inheritance.

Submission:

Labcorp Genetics (formerly Invitae), Labcorp
Classification: Uncertain significance for Long QT syndrome. Last evaluated: 2020-03-18. Review status: criteria provided, single submitter. Criteria: Invitae Variant Classification Sherloc (09022015). Collection method: clinical testing. Allele origin: germline.
Comment: This variant has not been reported in the literature in individuals with ANK2-related conditions. This sequence change replaces valine with alanine at codon 1797 of the ANK2 protein (p.Val1797Ala). The valine residue is weakly conserved and there is a small physicochemical difference between valine and alanine. This variant is not present in population databases (ExAC no frequency). Algorithms developed to predict the effect of missense changes on protein structure and function output the following: SIFT: "Tolerated"; PolyPhen-2: "Benign"; Align-GVGD: "Class C0". The alanine amino acid residue is found in multiple mammalian species, suggesting that this missense change does not adversely affect protein function. These predictions have not been confirmed by published functional studies and their clinical significance is uncertain. In summary, the available evidence is currently insufficient to determine the role of this variant in disease. Therefore, it has been classified as a Variant of Uncertain Significance.

NM_001148.6(ANK2):c.5390T>C (p.Val1797Ala)

Genes: ANK2 (ankyrin 2; plus strand), LOC126807136 (MED14-independent group 3 enhancer GRCh37_chr4:114274931-114276130; plus strand). Cytogenetic location: 4q26.
Variant type: single nucleotide variant.
Coding change: c.5390T>C on transcript NM_001148.6 (MANE Select); coding-DNA position 5390, T replaced by C.
Protein change: p.Val1797Ala; replaces valine 1797 with alanine.
Molecular consequence: missense variant. On other transcripts: intron variant (68).
Genome position (GRCh38, 1-based): chr4:113,354,008, T>C. VCF-style: chr4-113354008-T-C. GRCh37 (hg19) VCF-style: chr4-114275164-T-C.
Other names: c.5156T>C, p.Val1719Ala (NM_001386142.1); c.1790T>C, p.Val597Ala (NM_001386166.1); c.5531T>C, p.Val1844Ala (NM_001386174.1); c.5507T>C, p.Val1836Ala (NM_001386175.1); c.4411+3759T>C (NM_001386186.2, NM_001386148.2); c.4213+3759T>C (NM_001354269.3); c.4291+3759T>C (NM_001386187.2); c.4252+3759T>C (NM_001386147.1); and 35 more; short protein forms V1719A, V1797A, V1836A, V1844A, V597A.
Identifiers: ClinVar variation 1006977 (VCV001006977.5), dbSNP rs2095576901, ClinGen allele CA357919204.
Genomic context (GRCh38, chr4:113,354,008, plus strand): 5'-TGGAAGATGAACAGAAAGGTCGAAGCAAGTTGCCCATCAGAGTCAAAGGCAAGGAGGACG[T>C]GCCAAAAAAGACCACCCACAGGCCACATCCAGCTGCGTCACCCTCTCTGAAGTCAGAGAG-3'
Protein context (NP_001139.3, residues 1787-1807): LPIRVKGKED[Val1797Ala]PKKTTHRPHP